The following is an entry in ClinVar:

NM_000038.6(APC):c.532-418G>A

Gene: APC (APC regulator of WNT signaling pathway; plus strand). Cytogenetic location: 5q22.2.
Variant type: single nucleotide variant.
Coding change: c.532-418G>A on transcript NM_000038.6 (MANE Select); 418 bases into the intron before coding-DNA position 532, G replaced by A.
Molecular consequence: intron variant.
Genome position (GRCh38, 1-based): chr5:112,780,372, G>A. VCF-style: chr5-112780372-G-A. GRCh37 (hg19) VCF-style: chr5-112116069-G-A.
Other names: c.532-418G>A (NM_001354895.2, NM_001127510.3, NM_001354896.2 and 2 more transcripts); c.562-418G>A (NM_001354897.2, NM_001354902.2, NM_001127511.3); c.457-418G>A (NM_001354898.2, NM_001354904.2); c.-504-418G>A (NM_001354906.2); c.355-418G>A (NM_001354900.2, NM_001354901.2, NM_001354905.2).
Identifiers: ClinVar variation 82935 (VCV000082935.2), dbSNP rs35130225, ClinGen allele CA010301.

ClinVar aggregate classification (germline): other (0 of 4 stars; one submission).

Conditions:
Familial colorectal cancer. Identifiers: MedGen CN280943, MONDO:0023113. Disease mechanism: loss of function.

Allele frequency attached by ClinVar (database versions not stated): gnomAD 0.55384 and 0.56177; TOPMed 0.57879; 1000 Genomes Project 30x 0.64585; 1000 Genomes Project 0.64916.
gnomAD v4.1: 85,342 of 151,958 alleles (56%); highest among the groups gnomAD compares: East Asian, 88%; 24,521 homozygotes.

Submission:

Systems Biology Platform Zhejiang California International NanoSystems Institute
Classification: other for Familial colorectal cancer. Review status: no assertion criteria provided. Collection method: not provided. Allele origin: unknown.
ClinVar note: Converted during submission from cancer to other.